The following is an entry in ClinVar:

NM_033026.6(PCLO):c.3023T>A (p.Leu1008Ter)

Gene: PCLO (piccolo presynaptic cytomatrix protein; minus strand). Cytogenetic location: 7q21.11.
Variant type: single nucleotide variant.
Coding change: c.3023T>A on transcript NM_033026.6 (MANE Select); coding-DNA position 3023, T replaced by A.
Protein change: p.Leu1008Ter; replaces leucine 1008 with a stop codon.
Molecular consequence: nonsense.
Genome position (GRCh38, 1-based): chr7:83,134,527, A>T on the plus strand (T>A on the coding strand, the complement: PCLO is on the minus strand). VCF-style: chr7-83134527-A-T. GRCh37 (hg19) VCF-style: chr7-82763843-A-T.
Other names: c.3023T>A, p.Leu1008Ter (NM_014510.3); short protein forms L1008*.
Identifiers: ClinVar variation 1363503 (VCV001363503.6), dbSNP rs2116614409, ClinGen allele CA367897957.
Genomic context (GRCh38, chr7:83,134,527, plus strand): 5'-GGTGGCTTTTTTTCTGTTTCTGTTCTTTTTACTGTTGGAGCTTGTTCAGCTTTGGGCTCT[A>T]ATTTTTCAGCTGCTGGGGCTTTTGTTTCCTTTTTCACAGGTATACTTTTTGCAGGTGCTG-3'

ClinVar aggregate classification (germline): Pathogenic (1 of 4 stars; one submission).

Submission:

Labcorp Genetics (formerly Invitae), Labcorp
Classification: Pathogenic. Last evaluated: 2022-07-19. Review status: criteria provided, single submitter. Criteria: Invitae Variant Classification Sherloc (09022015). Collection method: clinical testing. Allele origin: germline.
Comment: For these reasons, this variant has been classified as Pathogenic. ClinVar contains an entry for this variant (Variation ID: 1363503). This variant has not been reported in the literature in individuals affected with PCLO-related conditions. This variant is not present in population databases (gnomAD no frequency). This sequence change creates a premature translational stop signal (p.Leu1008*) in the PCLO gene. It is expected to result in an absent or disrupted protein product. Loss-of-function variants in PCLO are known to be pathogenic (PMID: 25832664, 30287594).

Literature cited by the submitters: PubMed 25832664; PubMed 30287594.